The following is an entry in ClinVar:

NM_005422.4(TECTA):c.5757T>G (p.Ile1919Met)

Genes: TBCEL-TECTA (TBCEL-TECTA readthrough; plus strand), TECTA (tectorin alpha; plus strand). Cytogenetic location: 11q23.3.
Variant type: single nucleotide variant.
Coding change: c.5757T>G on transcript NM_005422.4 (MANE Select); coding-DNA position 5757, T replaced by G.
Protein change: p.Ile1919Met; replaces isoleucine 1919 with methionine.
Molecular consequence: missense variant.
Genome position (GRCh38, 1-based): chr11:121,168,683, T>G. VCF-style: chr11-121168683-T-G. GRCh37 (hg19) VCF-style: chr11-121039392-T-G.
Other names: c.6699T>G, p.Ile2233Met (NM_001378761.1); short protein forms I1919M, I2233M.
Identifiers: ClinVar variation 1370371 (VCV001370371.6), dbSNP rs2134197824, ClinGen allele CA383036405.
Genomic context (GRCh38, chr11:121,168,683, plus strand): 5'-ATTGAATAGGTAACATTGTTTTGGATTCCTGTCTCATAATTGTTTCCGTTTTAGTGTAAT[T>G]AACCTGACAGTTCCAACCCAAGAAGGCAGCTTCATCACCAAGATGGCTCTCTACAAAAAC-3'
Protein context (NP_005413.2, residues 1909-1929): DSVVKPMLSV[Ile1919Met]NLTVPTQEGS

ClinVar aggregate classification (germline): Uncertain significance (1 of 4 stars; one submission).

Submission:

Labcorp Genetics (formerly Invitae), Labcorp
Classification: Uncertain significance. Last evaluated: 2022-07-06. Review status: criteria provided, single submitter. Criteria: Invitae Variant Classification Sherloc (09022015). Collection method: clinical testing. Allele origin: germline.
Comment: This sequence change replaces isoleucine, which is neutral and non-polar, with methionine, which is neutral and non-polar, at codon 1919 of the TECTA protein (p.Ile1919Met). This variant is not present in population databases (gnomAD no frequency). This variant has not been reported in the literature in individuals affected with TECTA-related conditions. ClinVar contains an entry for this variant (Variation ID: 1370371). Algorithms developed to predict the effect of missense changes on protein structure and function are either unavailable or do not agree on the potential impact of this missense change (SIFT: "Deleterious"; PolyPhen-2: "Probably Damaging"; Align-GVGD: "Class C0"). In summary, the available evidence is currently insufficient to determine the role of this variant in disease. Therefore, it has been classified as a Variant of Uncertain Significance.